The following is an entry in ClinVar:

ClinVar aggregate classification (germline): Uncertain significance. Review status: criteria provided, single submitter (1 of 4 stars). 2 submissions from 2 submitters: Uncertain significance (1). 1 of the submissions does not count toward it. Last evaluated 2026-08-06.

Conditions:
Spermatogenic failure 75 (SPGF75). Identifiers: MedGen C5677014, MONDO:0030984, OMIM 619949.

Allele frequency attached by ClinVar (database versions not stated): TOPMed 0.00005; 1000 Genomes Project 30x 0.00031; gnomAD 0.00005 and 0.00002; gnomAD exomes 0.00005 and 0.00012; ExAC 0.00014; 1000 Genomes Project 0.00040.

Submissions (2):

OLLIN Analises Genomicas, OLLIN
Classification: Uncertain significance for Spermatogenic failure 75. Last evaluated: 2026-08-06. Review status: criteria provided, single submitter. Criteria: ACMG Guidelines 2015 PMID 25741868. Collection method: clinical testing. Allele origin: germline. Inheritance: Autosomal recessive inheritance.
Comment: This missense variant, located in exon 28 (of 28), has been reported in ClinVar (accession VCV001693569.1) and in gnomAD with an allele frequency of 0.0049%. However, to our knowledge, it has not been reported in the scientific literature. In silico analysis predicts that this variant has a tolerated effect. According to the currently available evidence, this variant has been classified as uncertain significance (PM2_P, BP4_M).

OMIM
Classification: Pathogenic for SPERMATOGENIC FAILURE 75. Last evaluated: 2022-07-06. Review status: no assertion criteria provided. Collection method: literature only. Allele origin: germline. Not counted in ClinVar's aggregate classification.

Literature cited by the submitters: PubMed 35485979 (cited by OMIM).

NM_001378211.1(SHOC1):c.4466G>A (p.Arg1489His)

Gene: SHOC1 (shortage in chiasmata 1; minus strand). Cytogenetic location: 9q31.3.
Variant type: single nucleotide variant.
Coding change: c.4466G>A on transcript NM_001378211.1 (MANE Select); coding-DNA position 4466, G replaced by A.
Protein change: p.Arg1489His; replaces arginine 1489 with histidine.
Molecular consequence: missense variant. On other transcripts: non-coding transcript variant (1).
Genome position (GRCh38, 1-based): chr9:111,686,831, C>T on the plus strand (G>A on the coding strand, the complement: SHOC1 is on the minus strand). VCF-style: chr9-111686831-C-T. GRCh37 (hg19) VCF-style: chr9-114449111-C-T.
Other names: SHOC1, ARG1425HIS (rs533026166); R1425H; c.4157G>A, p.Arg1386His (NM_001080551.3); c.4052G>A, p.Arg1351His (NM_001378212.1); c.4274G>A, p.Arg1425His (NM_173521.5); short protein forms R1351H, R1386H, R1489H.
Identifiers: ClinVar variation 1693569 (VCV001693569.2), dbSNP rs533026166, ClinGen allele CA5188036.